The following is an entry in ClinVar:

NM_001377137.1(GBF1):c.1840T>C (p.Cys614Arg)

Gene: GBF1 (golgi brefeldin A resistant guanine nucleotide exchange factor 1; plus strand). Cytogenetic location: 10q24.32.
Variant type: single nucleotide variant.
Coding change: c.1840T>C on transcript NM_001377137.1 (MANE Select); coding-DNA position 1840, T replaced by C.
Protein change: p.Cys614Arg; replaces cysteine 614 with arginine.
Molecular consequence: missense variant. On other transcripts: non-coding transcript variant (5).
Genome position (GRCh38, 1-based): chr10:102,362,628, T>C. VCF-style: chr10-102362628-T-C. GRCh37 (hg19) VCF-style: chr10-104122385-T-C.
Other names: c.1840T>C, p.Cys614Arg (NM_001199378.2, NM_001391923.1); c.1837T>C, p.Cys613Arg (NM_001199379.2, NM_001391928.1, NM_001391929.1 and 5 more transcripts); c.1459T>C, p.Cys487Arg (NM_001391931.1); c.1912T>C, p.Cys638Arg (NM_001411003.1); c.1936T>C, p.Cys646Arg (NM_001411027.1, NM_001391922.1); c.1837T>C (NM_004193.2); c.1837T>C, p.Ser613Pro (NM_001377138.1, NM_001391925.1); c.1543T>C, p.Cys515Arg (NM_001377139.1, NM_001377140.1); and 1 more; short protein forms C487R, C515R, C613R, C614R, C638R, C646R, S613P, S614P.
Identifiers: ClinVar variation 3389092 (VCV003389092.15).
Genomic context (GRCh38, chr10:102,362,628, plus strand): 5'-CAGGCTAAAGTCCTCAACAGCCTCACCCAGCAAGAGAAGAAGGAGACAGCCAGACCAAGC[T>C]GTGAGATAGTAGATGGCACCCGAGAAGCTAGCAATAGTGAGAGGCATTTCTTTCTTTGAT-3'
Protein context (NP_001364066.1, residues 604-624): QEKKETARPS[Cys614Arg]EIVDGTREAS

ClinVar aggregate classification (germline): Conflicting classifications of pathogenicity. Review status: criteria provided, conflicting classifications (1 of 4 stars). 2 submissions from 2 submitters: Uncertain significance (1); Likely benign (1). Last evaluated 2025-09-10.

gnomAD v4.1: 82 of 1,614,102 alleles (0.0051%); highest among the groups gnomAD compares: Non-Finnish European, 0.0067%; no homozygotes.

Submissions (2):

Ambry Genetics
Classification: Uncertain significance. Last evaluated: 2025-09-10. Review status: criteria provided, single submitter. Criteria: Ambry Variant Classification Scheme 2023. Collection method: clinical testing. Allele origin: germline.

CeGaT Center for Human Genetics Tuebingen
Classification: Likely benign. Last evaluated: 2024-09-01. Review status: criteria provided, single submitter. Criteria: CeGaT Center For Human Genetics Tuebingen Variant Classification Criteria Version 2. Collection method: clinical testing. Allele origin: germline. Affected: yes. Observed: 1 variant allele.
Comment: GBF1: BP4